The following is an entry in ClinVar:

NM_004943.2(DMWD):c.1745C>T (p.Ala582Val)

Gene: DMWD (DM1 locus, WD repeat containing; minus strand). Cytogenetic location: 19q13.32.
Variant type: single nucleotide variant.
Coding change: c.1745C>T on transcript NM_004943.2 (MANE Select); coding-DNA position 1745, C replaced by T.
Protein change: p.Ala582Val; replaces alanine 582 with valine.
Molecular consequence: missense variant.
Genome position (GRCh38, 1-based): chr19:45,785,751, G>A on the plus strand (C>T on the coding strand, the complement: DMWD is on the minus strand). VCF-style: chr19-45785751-G-A. GRCh37 (hg19) VCF-style: chr19-46289009-G-A.
Other names: short protein forms A582V.
Identifiers: ClinVar variation 3055409 (VCV003055409.2), dbSNP rs146577305, ClinGen allele CA9521977.
Genomic context (GRCh38, chr19:45,785,751, plus strand): 5'-GCGATCTTCTTGCACACAAGGGGCTCCAGCAGGGGCACCTCGTGGATGCGCGGGCACAGC[G>A]CAGTGCCCAGCACCTTGGCGGGGTCCAGGCGGCTGCGGGGAACAGGGCCGCTGGGCTTCT-3'
Protein context (NP_004934.1, residues 572-592): RLDPAKVLGT[Ala582Val]LCPRIHEVPL

ClinVar aggregate classification (germline): Benign (0 of 4 stars; one submission).

Conditions:
DMWD-related disorder. Also called: DMWD-related condition.

Allele frequency attached by ClinVar (database versions not stated): 1000 Genomes Project 0.00519; 1000 Genomes Project 30x 0.00703; TOPMed 0.01479; gnomAD 0.01669; ExAC 0.01814; ESP Exome Variant Server 0.01902; gnomAD exomes 0.02259.
gnomAD v4.1: 35,194 of 1,610,422 alleles (2.2%); highest among the groups gnomAD compares: Non-Finnish European, 2.6%; 442 homozygotes.

Submission:

PreventionGenetics, part of Exact Sciences
Classification: Benign for DMWD-related condition. Last evaluated: 2019-11-05. Review status: no assertion criteria provided. Collection method: clinical testing. Allele origin: germline.
Comment: This variant is classified as benign based on ACMG/AMP sequence variant interpretation guidelines (Richards et al. 2015 PMID: 25741868, with internal and published modifications).